The following is an entry in ClinVar:

ClinVar aggregate classification (germline): Pathogenic (1 of 4 stars; one submission).

Conditions:
Mitochondrial complex V (ATP synthase) deficiency, nuclear type 2. Also called: MITOCHONDRIAL COMPLEX V (ATP SYNTHASE) DEFICIENCY, TMEM70 TYPE; ENCEPHALOCARDIOMYOPATHY, MITOCHONDRIAL, NEONATAL, DUE TO ATP SYNTHASE DEFICIENCY; Nuclear-Encoded ATPase Deficiency, TMEM70-Related. Identifiers: Orphanet 1194, MedGen C3279699, MONDO:0013546, OMIM 614052.

Submission:

Labcorp Genetics (formerly Invitae), Labcorp
Classification: Pathogenic for Mitochondrial complex V (ATP synthase) deficiency, nuclear type 2. Last evaluated: 2022-09-27. Review status: criteria provided, single submitter. Criteria: Invitae Variant Classification Sherloc (09022015). Collection method: clinical testing. Allele origin: germline.
Comment: This sequence change creates a premature translational stop signal (p.Gly165Alafs*36) in the TMEM70 gene. While this is not anticipated to result in nonsense mediated decay, it is expected to disrupt the last 96 amino acid(s) of the TMEM70 protein. This variant is not present in population databases (gnomAD no frequency). This variant has not been reported in the literature in individuals affected with TMEM70-related conditions. This variant disrupts a region of the TMEM70 protein in which other variant(s) (p.Thr193Serfs*6) have been determined to be pathogenic (PMID: 21147908). This suggests that this is a clinically significant region of the protein, and that variants that disrupt it are likely to be disease-causing. For these reasons, this variant has been classified as Pathogenic.

Literature cited by the submitters: PubMed 21147908.

NM_017866.6(TMEM70):c.492del (p.Gly165fs)

Gene: TMEM70 (transmembrane protein 70; plus strand). Cytogenetic location: 8q21.11.
Variant type: Deletion.
Coding change: c.492del on transcript NM_017866.6 (MANE Select); coding-DNA position 492, one base deleted (A; older notation c.492delA).
Protein change: p.Gly165fs; shifts the reading frame from glycine 165.
Molecular consequence: frameshift variant. On other transcripts: 3 prime UTR variant (1), non-coding transcript variant (1).
Genome position (GRCh38, 1-based): chr8:73,981,330, A deleted; the last of 4 consecutive A bases (chr8:73,981,327-73,981,330); deleting any one gives the same sequence. VCF-style (leftmost placement, unchanged base first): chr8-73981326-CA-C. GRCh37 (hg19) VCF-style: chr8-74893561-CA-C.
Other names: c.*182del (NM_001040613.3); short protein forms G165fs.
Identifiers: ClinVar variation 2085324 (VCV002085324.4), dbSNP rs2536395934, ClinGen allele CA2580078941.